The following is an entry in ClinVar:

NM_014009.4(FOXP3):c.70C>T (p.Pro24Ser)

Gene: FOXP3 (forkhead box P3; minus strand). Cytogenetic location: Xp11.23.
Variant type: single nucleotide variant.
Coding change: c.70C>T on transcript NM_014009.4 (MANE Select); coding-DNA position 70, C replaced by T.
Protein change: p.Pro24Ser; replaces proline 24 with serine.
Molecular consequence: missense variant.
Genome position (GRCh38, 1-based): chrX:49,258,436, G>A on the plus strand (C>T on the coding strand, the complement: FOXP3 is on the minus strand). VCF-style: chrX-49258436-G-A. GRCh37 (hg19) VCF-style: chrX-49114893-G-A.
Other names: c.70C>T, p.Pro24Ser (NM_001114377.2); short protein forms P24S.
Identifiers: ClinVar variation 1284954 (VCV001284954.5), dbSNP rs1557116742, ClinGen allele CA412954264.

ClinVar aggregate classification (germline): Uncertain significance. Review status: criteria provided, single submitter (1 of 4 stars). 3 submissions from 3 submitters: Uncertain significance (1). 2 of the submissions do not count toward it. Last evaluated 2024-10-26.

Conditions:
Insulin-dependent diabetes mellitus secretory diarrhea syndrome (IPEX). Also called: IPEX and IPEX-Like; Immunodysregulation, polyendocrinopathy, and enteropathy, X-linked; X-Linked Autoimmunity-Allergic Dysregulation Syndrome; Immune dysregulation-polyendocrinopathy-enteropathy-X-linked syndrome; Immunodeficiency, Polyendocrinopathy, and Enteropathy X-Linked Syndrome; X-Linked Syndrome of Polyendocrinopathy, Immune Dysfunction, and Diarrhea. Identifiers: Orphanet 37042, MedGen C0342288, MONDO:0010580, OMIM 304790. Disease mechanism: loss of function.

Allele frequency attached by ClinVar (database versions not stated): TOPMed 0.00001; gnomAD 0.00002; gnomAD exomes 0.00002 and 0.00003.
gnomAD v4.1: 28 of 1,185,707 alleles (0.0024%); highest among the groups gnomAD compares: Non-Finnish European, 0.0031%; no homozygotes.

Submissions (3):

Labcorp Genetics (formerly Invitae), Labcorp
Classification: Uncertain significance for Insulin-dependent diabetes mellitus secretory diarrhea syndrome. Last evaluated: 2024-10-26. Review status: criteria provided, single submitter. Criteria: Invitae Variant Classification Sherloc (09022015). Collection method: clinical testing. Allele origin: germline.
Comment: This sequence change replaces proline, which is neutral and non-polar, with serine, which is neutral and polar, at codon 24 of the FOXP3 protein (p.Pro24Ser). This variant is present in population databases (no rsID available, gnomAD 0.006%). This variant has not been reported in the literature in individuals affected with FOXP3-related conditions. ClinVar contains an entry for this variant (Variation ID: 1284954). Invitae Evidence Modeling of protein sequence and biophysical properties (such as structural, functional, and spatial information, amino acid conservation, physicochemical variation, residue mobility, and thermodynamic stability) indicates that this missense variant is not expected to disrupt FOXP3 protein function with a negative predictive value of 95%. In summary, the available evidence is currently insufficient to determine the role of this variant in disease. Therefore, it has been classified as a Variant of Uncertain Significance.

Clinical Genetics DNA and cytogenetics Diagnostics Lab, Erasmus MC, Erasmus Medical Center
Classification: Likely benign. Review status: no assertion criteria provided. Collection method: clinical testing. Allele origin: germline. Affected: yes. Study: VKGL Data-share Consensus. Not counted in ClinVar's aggregate classification.

Genome Diagnostics Laboratory, University Medical Center Utrecht
Classification: Likely benign. Review status: no assertion criteria provided. Collection method: clinical testing. Allele origin: germline. Affected: yes. Study: VKGL Data-share Consensus. Not counted in ClinVar's aggregate classification.